The following is an entry in ClinVar:

ClinVar aggregate classification (germline): Uncertain significance (1 of 4 stars; one submission).

Conditions:
Beckwith-Wiedemann syndrome (BWS). Also called: EMG SYNDROME; Exomphalos macroglossia gigantism syndrome. Identifiers: Orphanet 116, MedGen C0004903, MONDO:0007534, OMIM 130650.

Submission:

Labcorp Genetics (formerly Invitae), Labcorp
Classification: Uncertain significance for Beckwith-Wiedemann syndrome. Last evaluated: 2021-02-11. Review status: criteria provided, single submitter. Criteria: Invitae Variant Classification Sherloc (09022015). Collection method: clinical testing. Allele origin: germline.
Comment: In summary, the available evidence is currently insufficient to determine the role of this variant in disease. Therefore, it has been classified as a Variant of Uncertain Significance. Algorithms developed to predict the effect of missense changes on protein structure and function are either unavailable or do not agree on the potential impact of this missense change (SIFT: "Tolerated"; PolyPhen-2: "Not Available"; Align-GVGD: "Class C0"). This variant has not been reported in the literature in individuals with CDKN1C-related conditions. This variant is not present in population databases (ExAC no frequency). This sequence change replaces isoleucine with methionine at codon 264 of the CDKN1C protein (p.Ile264Met). The isoleucine residue is weakly conserved and there is a small physicochemical difference between isoleucine and methionine.

NM_001122630.2(CDKN1C):c.759C>G (p.Ile253Met)

Gene: CDKN1C (cyclin dependent kinase inhibitor 1C; minus strand). Cytogenetic location: 11p15.4.
Variant type: single nucleotide variant.
Coding change: c.759C>G on transcript NM_001122630.2 (MANE Select); coding-DNA position 759, C replaced by G.
Protein change: p.Ile253Met; replaces isoleucine 253 with methionine.
Molecular consequence: missense variant. On other transcripts: intron variant (1).
Genome position (GRCh38, 1-based): chr11:2,884,698, G>C on the plus strand (C>G on the coding strand, the complement: CDKN1C is on the minus strand). VCF-style: chr11-2884698-G-C. GRCh37 (hg19) VCF-style: chr11-2905928-G-C.
Other names: c.792C>G, p.Ile264Met (NM_000076.2, NM_001362474.2); c.759C>G, p.Ile253Met (NM_001122631.2); c.255+504C>G (NM_001362475.2); short protein forms I253M, I264M.
Identifiers: ClinVar variation 1366386 (VCV001366386.8), dbSNP rs2133782008, ClinGen allele CA379145571.